The following is an entry in ClinVar:

NM_025114.4(CEP290):c.4090G>T (p.Glu1364Ter)

Gene: CEP290 (centrosomal protein 290; minus strand). Cytogenetic location: 12q21.32.
Variant type: single nucleotide variant.
Coding change: c.4090G>T on transcript NM_025114.4 (MANE Select); coding-DNA position 4090, G replaced by T.
Protein change: p.Glu1364Ter; replaces glutamic acid 1364 with a stop codon.
Molecular consequence: nonsense.
Genome position (GRCh38, 1-based): chr12:88,087,884, C>A on the plus strand (G>T on the coding strand, the complement: CEP290 is on the minus strand). VCF-style: chr12-88087884-C-A. GRCh37 (hg19) VCF-style: chr12-88481661-C-A.
Other names: c.4090G>T (NM_025114.3); short protein forms E1364*.
Identifiers: ClinVar variation 1069582 (VCV001069582.16), dbSNP rs779645669, ClinGen allele CA385999234.
Genomic context (GRCh38, chr12:88,087,884, plus strand): 5'-GTTCATATTCAGAAATTATGTTATTCAAATATTTTATTTCTTCTTTATCCTTGACTAATT[C>A]CCGATTTAGTTTAAGTTCTTGAAGACGAAGTTCTTCTATTTTCATATGCCAGTTGATTAC-3'

ClinVar aggregate classification (germline): Pathogenic. Review status: criteria provided, multiple submitters, no conflicts (2 of 4 stars). 6 submissions from 6 submitters: Pathogenic (5). 1 of the submissions does not count toward it. Last evaluated 2026-08-17.

Conditions:
Leber congenital amaurosis (LCA). Also called: Leber's amaurosis. Identifiers: Orphanet 65, MedGen C0339527, MeSH D057130, MONDO:0018998.
CEP290-related ciliopathy. Also called: CEP290 ciliopathy. Identifiers: MedGen CN305601, MONDO:0100451.
Meckel-Gruber syndrome. Also called: DYSENCEPHALIA SPLANCHNOCYSTICA; Dysencephalia splachnocystica; GRUBER SYNDROME. Identifiers: Orphanet 564, MedGen C0265215, MONDO:0018921.
Joubert syndrome. Also called: JOUBERT-BOLTSHAUSER SYNDROME; Familial aplasia of the vermis. Identifiers: Orphanet 475, MedGen C5979921, MONDO:0018772.
Nephronophthisis. Also called: Juvenile Nephronophthisis. Identifiers: Orphanet 655, MedGen C0687120, MONDO:0019005, HP:0000090.
CEP290-related disorder. Also called: CEP290-related condition; CEP290-related disorders. Identifiers: MedGen CN239314.
Senior-Loken syndrome 6 (SLSN6). Identifiers: Orphanet 3156, MedGen C1857779, MONDO:0012433, OMIM 610189.
Leber congenital amaurosis 10 (LCA10). Identifiers: Orphanet 65, MedGen C1857821, MONDO:0012723, OMIM 611755.
Joubert syndrome 5 (JBTS5). Identifiers: Orphanet 2318, MedGen C1857780, MONDO:0012432, OMIM 610188.
Meckel syndrome, type 4 (MKS4). Also called: MECKEL-GRUBER SYNDROME, TYPE 4. Identifiers: Orphanet 564, MedGen C1970161, MONDO:0012626, OMIM 611134.
Bardet-Biedl syndrome 14 (BBS14). Identifiers: Orphanet 110, MedGen C2673874, MONDO:0014442, OMIM 615991.

Allele frequency attached by ClinVar (database versions not stated): gnomAD exomes below 0.00001; TOPMed 0.00001.
gnomAD v4.1: 1 of 1,234,622 alleles (0.000081%); highest among the groups gnomAD compares: Non-Finnish European, 0.0001%; no homozygotes.

Submissions (6):

PreventionGenetics, part of Exact Sciences
Classification: Pathogenic for CEP290-related condition. Last evaluated: 2026-08-17. Review status: criteria provided, single submitter. Criteria: ACMG Guidelines, 2015. Collection method: clinical testing. Allele origin: germline.
Comment: The CEP290 c.4090G>T variant is predicted to result in premature protein termination (p.Glu1364*). This variant has been reported in the compound heterozygous state in individuals with CEP290-related disorders (Chen et al. 2013. PubMed ID: 23661368; Barny et al. 2018. PubMed ID: 29771326). This variant has not been reported in a large population database, indicating it is rare. Nonsense variants in CEP290 are expected to be pathogenic. This variant is interpreted as pathogenic.

Myriad Genetics, Inc.
Classification: Pathogenic for CEP290-related ciliopathy. Last evaluated: 2024-08-14. Review status: criteria provided, single submitter. Criteria: Myriad Autosomal Dominant, Autosomal Recessive and X-Linked Classification Criteria (2023). Collection method: clinical testing. Allele origin: unknown.
Comment: NM_025114.3(CEP290):c.4090G>T(E1364*) is expected to be pathogenic in the context of CEP290-related disorders. This variant is predicted to lead to an abnormal or absent protein product due to the creation of a premature termination codon in CEP290, a gene where loss-of-function variants are known to be pathogenic. Please note: this variant was assessed in the context of healthy population screening.

Labcorp Genetics (formerly Invitae), Labcorp
Classification: Pathogenic for Joubert syndrome; Meckel-Gruber syndrome; Nephronophthisis. Last evaluated: 2024-02-22. Review status: criteria provided, single submitter. Criteria: Invitae Variant Classification Sherloc (09022015). Collection method: clinical testing. Allele origin: germline.
Comment: This sequence change creates a premature translational stop signal (p.Glu1364*) in the CEP290 gene. It is expected to result in an absent or disrupted protein product. Loss-of-function variants in CEP290 are known to be pathogenic (PMID: 16909394, 17345604, 20690115). This variant is not present in population databases (gnomAD no frequency). This premature translational stop signal has been observed in individual(s) with CEP290-related conditions (PMID: 23661368). ClinVar contains an entry for this variant (Variation ID: 1069582). Algorithms developed to predict the effect of sequence changes on RNA splicing suggest that this variant may disrupt the consensus splice site. For these reasons, this variant has been classified as Pathogenic.

GeneDx
Classification: Pathogenic. Last evaluated: 2024-02-01. Review status: criteria provided, single submitter. Criteria: GeneDx Variant Classification Process June 2021. Collection method: clinical testing. Allele origin: germline.
Comment: Identified in a patient with Leber congenital amaurosis and another with early onset and severe retinal dystrophy in the published literature, both of which had a second CEP290 variant in trans (PMID: 23661368, 29771326); Not observed at significant frequency in large population cohorts (gnomAD); Nonsense variant predicted to result in protein truncation or nonsense mediated decay in a gene for which loss of function is a known mechanism of disease; This variant is associated with the following publications: (PMID: 29771326, 23661368)

Fulgent Genetics
Classification: Pathogenic for Joubert syndrome 5; Senior-Loken syndrome 6; Meckel syndrome, type 4; Leber congenital amaurosis 10; Bardet-Biedl syndrome 14. Last evaluated: 2021-12-02. Review status: criteria provided, single submitter. Criteria: ACMG Guidelines, 2015. Collection method: clinical testing. Allele origin: unknown.

Natera, Inc.
Classification: Pathogenic for Leber congenital amaurosis. Last evaluated: 2020-06-25. Review status: no assertion criteria provided. Collection method: clinical testing. Allele origin: germline. Not counted in ClinVar's aggregate classification.

Literature cited by the submitters: PubMed 16909394 (cited by Labcorp Genetics (formerly Invitae), Labcorp); PubMed 17345604 (cited by Labcorp Genetics (formerly Invitae), Labcorp); PubMed 20690115 (cited by Labcorp Genetics (formerly Invitae), Labcorp); PubMed 23661368 (cited by Labcorp Genetics (formerly Invitae), Labcorp).